The following is an entry in ClinVar:

ClinVar aggregate classification (germline): Uncertain significance (1 of 4 stars; one submission).

gnomAD v4.1: 7 of 1,613,756 alleles (0.00043%); highest among the groups gnomAD compares: Non-Finnish European, 0.00059%; no homozygotes.

Submission:

Labcorp Genetics (formerly Invitae), Labcorp
Classification: Uncertain significance. Last evaluated: 2024-02-03. Review status: criteria provided, single submitter. Criteria: Invitae Variant Classification Sherloc (09022015). Collection method: clinical testing. Allele origin: germline.
Comment: This sequence change replaces cysteine, which is neutral and slightly polar, with phenylalanine, which is neutral and non-polar, at codon 1241 of the HMCN1 protein (p.Cys1241Phe). This variant is not present in population databases (gnomAD no frequency). This variant has not been reported in the literature in individuals affected with HMCN1-related conditions. ClinVar contains an entry for this variant (Variation ID: 1992111). An algorithm developed to predict the effect of missense changes on protein structure and function (PolyPhen-2) suggests that this variant is likely to be disruptive. In summary, the available evidence is currently insufficient to determine the role of this variant in disease. Therefore, it has been classified as a Variant of Uncertain Significance.

NM_031935.3(HMCN1):c.3722G>T (p.Cys1241Phe)

Gene: HMCN1 (hemicentin 1; plus strand). Cytogenetic location: 1q31.1.
Variant type: single nucleotide variant.
Coding change: c.3722G>T on transcript NM_031935.3 (MANE Select); coding-DNA position 3722, G replaced by T.
Protein change: p.Cys1241Phe; replaces cysteine 1241 with phenylalanine.
Molecular consequence: missense variant.
Genome position (GRCh38, 1-based): chr1:185,995,031, G>T. VCF-style: chr1-185995031-G-T. GRCh37 (hg19) VCF-style: chr1-185964163-G-T.
Other names: short protein forms C1241F.
Identifiers: ClinVar variation 1992111 (VCV001992111.4), dbSNP rs2527418266, ClinGen allele CA343871839.